The following is an entry in ClinVar:

ClinVar aggregate classification (germline): Uncertain significance (1 of 4 stars; one submission).

Submission:

Ambry Genetics
Classification: Uncertain significance. Last evaluated: 2026-08-05. Review status: criteria provided, single submitter. Criteria: Ambry Variant Classification Scheme 2023. Collection method: clinical testing. Allele origin: germline.
Comment: The p.K729R variant (also known as c.2186A>G), located in coding exon 1 of the MLH3 gene, results from an A to G substitution at nucleotide position 2186. The lysine at codon 729 is replaced by arginine, an amino acid with highly similar properties. This amino acid position is conserved. In addition, this alteration is predicted to be tolerated by in silico analysis. Based on the available evidence, the clinical significance of this variant remains unclear.

NM_001040108.2(MLH3):c.2186A>G (p.Lys729Arg)

Gene: MLH3 (mutL homolog 3; minus strand). Cytogenetic location: 14q24.3.
Variant type: single nucleotide variant.
Coding change: c.2186A>G on transcript NM_001040108.2 (MANE Select); coding-DNA position 2186, A replaced by G.
Protein change: p.Lys729Arg; replaces lysine 729 with arginine.
Molecular consequence: missense variant.
Genome position (GRCh38, 1-based): chr14:75,047,470, T>C on the plus strand (A>G on the coding strand, the complement: MLH3 is on the minus strand). VCF-style: chr14-75047470-T-C. GRCh37 (hg19) VCF-style: chr14-75514173-T-C.
Other names: c.2186A>G, p.Lys729Arg (NM_014381.3); short protein forms K729R.
Identifiers: ClinVar variation 5024618 (VCV005024618.1).